The following is an entry in ClinVar:

ClinVar aggregate classification (germline): Benign (1 of 4 stars; one submission).

Allele frequency attached by ClinVar (database versions not stated): gnomAD 0.05323 and 0.05725; 1000 Genomes Project 0.05411; 1000 Genomes Project 30x 0.05918; TOPMed 0.06023.
gnomAD v4.1: 8,031 of 152,250 alleles (5.3%); highest among the groups gnomAD compares: African/African-American, 18%; 691 homozygotes.

Submission:

GeneDx
Classification: Benign. Last evaluated: 2018-06-19. Review status: criteria provided, single submitter. Criteria: GeneDx Variant Classification (06012015). Collection method: clinical testing. Allele origin: germline. Affected: yes.
Comment: This variant is considered likely benign or benign based on one or more of the following criteria: it is a conservative change, it occurs at a poorly conserved position in the protein, it is predicted to be benign by multiple in silico algorithms, and/or has population frequency not consistent with disease.

NM_001105206.3(LAMA4):c.4822-156G>C

Gene: LAMA4 (laminin subunit alpha 4; minus strand). Cytogenetic location: 6q21.
Variant type: single nucleotide variant.
Coding change: c.4822-156G>C on transcript NM_001105206.3 (MANE Select); 156 bases into the intron before coding-DNA position 4822, G replaced by C.
Molecular consequence: intron variant.
Genome position (GRCh38, 1-based): chr6:112,118,054, C>G on the plus strand (G>C on the coding strand, the complement: LAMA4 is on the minus strand). VCF-style: chr6-112118054-C-G. GRCh37 (hg19) VCF-style: chr6-112439257-C-G.
Other names: c.4801-156G>C (NM_002290.5, NM_001105207.3).
Identifiers: ClinVar variation 672741 (VCV000672741.1), dbSNP rs73541498, ClinGen allele CA144881786.